The following is an entry in ClinVar:

ClinVar aggregate classification (germline): Benign/Likely benign. Review status: criteria provided, multiple submitters, no conflicts (2 of 4 stars). 6 submissions from 6 submitters: Benign (4); Likely benign (2). Last evaluated 2026-02-13.

Conditions:
Cardiovascular phenotype. Identifiers: MedGen CN230736.
Ehlers-Danlos syndrome (EDS). Identifiers: Orphanet 98249, MedGen C0013720, MONDO:0020066.

Allele frequency attached by ClinVar (database versions not stated): gnomAD exomes 0.00074 and 0.00152; ExAC 0.00254; gnomAD 0.00797 and 0.00852; 1000 Genomes Project 0.00799; TOPMed 0.00921; 1000 Genomes Project 30x 0.00937.
gnomAD v4.1: 2,263 of 1,547,972 alleles (0.15%); highest among the groups gnomAD compares: African/African-American, 2.8%; 24 homozygotes.

Submissions (6):

Women's Health and Genetics/Laboratory Corporation of America, LabCorp
Classification: Likely benign. Last evaluated: 2026-02-13. Review status: criteria provided, single submitter. Criteria: LabCorp Variant Classification Summary - May 2015. Collection method: clinical testing. Allele origin: germline.
Comment: Variant summary: ZNF469 c.952G>A (p.Val318Met) results in a conservative amino acid change in the encoded protein sequence. Algorithms developed to predict the effect of missense changes on protein structure and function are either unavailable or do not agree on the potential impact of this missense change. The variant allele was found at a frequency of 0.0015 in 147778 control chromosomes, predominantly at a frequency of 0.026 within the African or African-American subpopulation in the gnomAD database, including 2 homozygotes. The observed variant frequency within African or African-American control individuals in the gnomAD database exceeds the estimated maximal expected allele frequency for disease-causing variants in ZNF469. To our knowledge, no occurrence of c.952G>A in individuals affected with ZNF469-related conditions and no experimental evidence demonstrating its impact on protein function have been reported. ClinVar contains an entry for this variant (Variation ID: 320861). Based on the evidence outlined above, the variant was classified as likely benign.

Labcorp Genetics (formerly Invitae), Labcorp
Classification: Benign. Last evaluated: 2026-02-02. Review status: criteria provided, single submitter. Criteria: Invitae Variant Classification Sherloc (09022015). Collection method: clinical testing. Allele origin: germline.

Mayo Clinic Laboratories, Mayo Clinic
Classification: Benign. Last evaluated: 2023-06-16. Review status: criteria provided, single submitter. Criteria: ACMG Guidelines, 2015. Collection method: clinical testing. Allele origin: germline. Observed: 10 variant alleles.
Comment: BS1, BS2, BP4_strong

Genome Diagnostics Laboratory, The Hospital for Sick Children
Classification: Likely benign for Ehlers-Danlos syndrome. Last evaluated: 2022-02-17. Review status: criteria provided, single submitter. Criteria: ACMG Guidelines, 2015. Collection method: clinical testing. Allele origin: germline.

Ambry Genetics
Classification: Benign for Cardiovascular phenotype. Last evaluated: 2019-02-08. Review status: criteria provided, single submitter. Criteria: Ambry Variant Classification Scheme 2023. Collection method: clinical testing. Allele origin: germline.

GeneDx
Classification: Benign. Last evaluated: 2018-08-15. Review status: criteria provided, single submitter. Criteria: GeneDx Variant Classification Process June 2021. Collection method: clinical testing. Allele origin: germline. Affected: yes.

NM_001367624.2(ZNF469):c.952G>A (p.Val318Met)

Gene: ZNF469 (zinc finger protein 469; plus strand). Cytogenetic location: 16q24.2.
Variant type: single nucleotide variant.
Coding change: c.952G>A on transcript NM_001367624.2 (MANE Select); coding-DNA position 952, G replaced by A.
Protein change: p.Val318Met; replaces valine 318 with methionine.
Molecular consequence: missense variant.
Genome position (GRCh38, 1-based): chr16:88,428,422, G>A. VCF-style: chr16-88428422-G-A. GRCh37 (hg19) VCF-style: chr16-88494830-G-A.
Other names: NM_001127464.1:c.952G>A; NM_001127464.2:c.952G>A; p.Val318Met; short protein forms V318M.
Identifiers: ClinVar variation 320861 (VCV000320861.21), dbSNP rs139066376, ClinGen allele CA8224645.